The following is an entry in ClinVar:

NM_003072.5(SMARCA4):c.1579A>C (p.Met527Leu)

Gene: SMARCA4 (SWI/SNF related BAF chromatin remodeling complex subunit ATPase 4; plus strand). Cytogenetic location: 19p13.2.
Variant type: single nucleotide variant.
Coding change: c.1579A>C on transcript NM_003072.5 (MANE Select); coding-DNA position 1579, A replaced by C.
Protein change: p.Met527Leu; replaces methionine 527 with leucine.
Molecular consequence: missense variant. On other transcripts: non-coding transcript variant (1).
Genome position (GRCh38, 1-based): chr19:10,994,987, A>C. VCF-style: chr19-10994987-A-C. GRCh37 (hg19) VCF-style: chr19-11105663-A-C.
Other names: c.1579A>C, p.Met527Leu (NM_001128844.3, NM_001128845.2, NM_001128846.2 and 5 more transcripts); short protein forms M527L.
Identifiers: ClinVar variation 1386161 (VCV001386161.5), dbSNP rs2145942762, ClinGen allele CA404062310.

ClinVar aggregate classification (germline): Uncertain significance (1 of 4 stars; one submission).

Conditions:
Rhabdoid tumor predisposition syndrome 2 (RTPS2). Identifiers: Orphanet 231108, Orphanet 69077, MedGen C2750074, MONDO:0013224, OMIM 613325.

Submission:

Labcorp Genetics (formerly Invitae), Labcorp
Classification: Uncertain significance for Rhabdoid tumor predisposition syndrome 2. Last evaluated: 2021-11-29. Review status: criteria provided, single submitter. Criteria: Invitae Variant Classification Sherloc (09022015). Collection method: clinical testing. Allele origin: germline.
Comment: This sequence change replaces methionine, which is neutral and non-polar, with leucine, which is neutral and non-polar, at codon 527 of the SMARCA4 protein (p.Met527Leu). This variant is not present in population databases (gnomAD no frequency). This variant has not been reported in the literature in individuals affected with SMARCA4-related conditions. Algorithms developed to predict the effect of missense changes on protein structure and function are either unavailable or do not agree on the potential impact of this missense change (SIFT: "Deleterious"; PolyPhen-2: "Benign"; Align-GVGD: "Class C0"). In summary, the available evidence is currently insufficient to determine the role of this variant in disease. Therefore, it has been classified as a Variant of Uncertain Significance.